The following is an entry in ClinVar:

ClinVar aggregate classification (germline): Uncertain significance (1 of 4 stars; one submission).

Conditions:
Gorlin syndrome. Also called: Nevoid Basal Cell Carcinoma Syndrome; Basal cell nevus syndrome. Identifiers: Orphanet 377, MedGen C0004779, MONDO:0007187.

Submission:

Labcorp Genetics (formerly Invitae), Labcorp
Classification: Uncertain significance for Gorlin syndrome. Last evaluated: 2023-01-16. Review status: criteria provided, single submitter. Criteria: Invitae Variant Classification Sherloc (09022015). Collection method: clinical testing. Allele origin: germline.
Comment: In summary, the available evidence is currently insufficient to determine the role of this variant in disease. Therefore, it has been classified as a Variant of Uncertain Significance. Advanced modeling of protein sequence and biophysical properties (such as structural, functional, and spatial information, amino acid conservation, physicochemical variation, residue mobility, and thermodynamic stability) performed at Invitae indicates that this missense variant is not expected to disrupt PTCH1 protein function. This variant has not been reported in the literature in individuals affected with PTCH1-related conditions. This variant is not present in population databases (gnomAD no frequency). This sequence change replaces serine, which is neutral and polar, with alanine, which is neutral and non-polar, at codon 713 of the PTCH1 protein (p.Ser713Ala).

NM_000264.5(PTCH1):c.2137T>G (p.Ser713Ala)

Genes: PTCH1 (patched 1; minus strand), LOC100507346 (uncharacterized LOC100507346; plus strand). Cytogenetic location: 9q22.32.
Variant type: single nucleotide variant.
Coding change: c.2137T>G on transcript NM_000264.5 (MANE Select); coding-DNA position 2137, T replaced by G.
Protein change: p.Ser713Ala; replaces serine 713 with alanine.
Molecular consequence: missense variant. On other transcripts: non-coding transcript variant (2).
Genome position (GRCh38, 1-based): chr9:95,468,864, A>C on the plus strand (T>G on the coding strand, the complement: PTCH1 is on the minus strand). VCF-style: chr9-95468864-A-C. GRCh37 (hg19) VCF-style: chr9-98231146-A-C.
Other names: c.1939T>G, p.Ser647Ala (NM_001083602.3); c.2134T>G, p.Ser712Ala (NM_001083603.3); c.1684T>G, p.Ser562Ala (NM_001083604.3, NM_001083605.3, NM_001083606.3 and 1 more transcripts); c.1981T>G, p.Ser661Ala (NM_001354918.2); short protein forms S562A, S712A, S647A, S661A, S713A.
Identifiers: ClinVar variation 2829051 (VCV002829051.3), dbSNP rs2118034541, ClinGen allele CA374115579.